The following is an entry in ClinVar:

NM_001854.4(COL11A1):c.2366A>G (p.Lys789Arg)

Gene: COL11A1 (collagen type XI alpha 1 chain; minus strand). Cytogenetic location: 1p21.1.
Variant type: single nucleotide variant.
Coding change: c.2366A>G on transcript NM_001854.4 (MANE Select); coding-DNA position 2366, A replaced by G.
Protein change: p.Lys789Arg; replaces lysine 789 with arginine.
Molecular consequence: missense variant. On other transcripts: non-coding transcript variant (1).
Genome position (GRCh38, 1-based): chr1:102,989,546, T>C on the plus strand (A>G on the coding strand, the complement: COL11A1 is on the minus strand). VCF-style: chr1-102989546-T-C. GRCh37 (hg19) VCF-style: chr1-103455102-T-C.
Other names: c.2249A>G, p.Lys750Arg (NM_001190709.2); c.2402A>G, p.Lys801Arg (NM_080629.3); c.2018A>G, p.Lys673Arg (NM_080630.4); short protein forms K673R, K801R, K750R, K789R.
Identifiers: ClinVar variation 5005220 (VCV005005220.2).
Genomic context (GRCh38, chr1:102,989,546, plus strand): 5'-TGTGTACTGGTGTACATTTTCTCTATACTTACTCTGTCACCTTTTAGACCCATGTCACCT[T>C]TGAATCCTGGAAAACCATCTTCACCCTAAAACATTATAAAAGGAATTAAATAGGAGTTTA-3'
Protein context (NP_001845.3, residues 779-799): EKGEDGFPGF[Lys789Arg]GDMGLKGDRG

ClinVar aggregate classification (germline): Uncertain significance (1 of 4 stars; one submission).

Conditions:
Hearing loss, autosomal dominant 37. Also called: DEAFNESS, AUTOSOMAL DOMINANT 37. Identifiers: MedGen C4760307, MONDO:0032802, OMIM 618533.
Fibrochondrogenesis 1 (FBCG1). Identifiers: Orphanet 2021, MedGen C3278138, MONDO:0009226, OMIM 228520.
Stickler syndrome type 2 (STL2). Also called: STICKLER SYNDROME, TYPE II; STICKLER SYNDROME, BEADED VITREOUS TYPE; STICKLER SYNDROME, VITREOUS TYPE 2; COL11A1-Related Stickler Syndrome. Identifiers: Orphanet 828, Orphanet 90654, MedGen C1858084, MONDO:0011493, OMIM 604841.
Marshall syndrome (MRSHS). Identifiers: Orphanet 560, MedGen C0265235, MONDO:0007949, OMIM 154780.
Intervertebral disc disorder (IDD). Also called: INTERVERTEBRAL DISC DISEASE; Lumbar disk degenerative disorder. Identifiers: MedGen C0158252, MONDO:0044339, OMIM 603932.

gnomAD v4.1: 1 of 1,611,572 alleles (0.000062%); highest among the groups gnomAD compares: Non-Finnish European, 0.000085%; no homozygotes.

Submission:

Juno Genomics, Hangzhou Juno Genomics, Inc
Classification: Uncertain significance for Intervertebral disc disorder; Hearing loss, autosomal dominant 37; Fibrochondrogenesis 1; Marshall syndrome; Stickler syndrome type 2. Review status: criteria provided, single submitter. Criteria: ACMG Guidelines, 2015. Collection method: clinical testing. Allele origin: germline.
Comment: Absent from controls (or at extremely low frequency if recessive) in Genome Aggregation Database.